The following is an entry in ClinVar:

ClinVar aggregate classification (germline): Uncertain significance (1 of 4 stars; one submission).

Conditions:
Hereditary cancer-predisposing syndrome. Also called: Neoplastic Syndromes, Hereditary; Tumor predisposition; Hereditary Cancer Syndrome; Hereditary neoplastic syndrome. Identifiers: Orphanet 140162, MedGen C0027672, MeSH D009386, MONDO:0015356.

gnomAD v4.1: 1 of 1,614,064 alleles (0.000062%); highest among the groups gnomAD compares: East Asian, 0.0022%; no homozygotes.

Submission:

Ambry Genetics
Classification: Uncertain significance for Hereditary cancer-predisposing syndrome. Last evaluated: 2026-02-13. Review status: criteria provided, single submitter. Criteria: Ambry Variant Classification Scheme 2023. Collection method: clinical testing. Allele origin: germline.
Comment: The c.-2A>C variant is located in the 5' untranslated region (5&rsquo; UTR) of the SDHD gene. This variant results from an A to C substitution 2 bases upstream from the first translated codon. This nucleotide position is highly conserved in available vertebrate species. Based on the available evidence, the clinical significance of this variant remains unclear.

NM_003002.4(SDHD):c.-2A>C

Genes: SDHD (succinate dehydrogenase complex subunit D; plus strand), LOC126861339 (BRD4-independent group 4 enhancer GRCh37_chr11:111957035-111958234; plus strand). Cytogenetic location: 11q23.1.
Variant type: single nucleotide variant.
Coding change: c.-2A>C on transcript NM_003002.4 (MANE Select); 2 bases upstream of the start codon, A replaced by C.
Molecular consequence: 5 prime UTR variant. On other transcripts: non-coding transcript variant (1).
Genome position (GRCh38, 1-based): chr11:112,086,906, A>C. VCF-style: chr11-112086906-A-C. GRCh37 (hg19) VCF-style: chr11-111957630-A-C.
Other names: c.-2A>C (NM_001276503.2, NM_001276504.2, NM_001276506.2).
Identifiers: ClinVar variation 4825138 (VCV004825138.1).
Genomic context (GRCh38, chr11:112,086,906, plus strand): 5'-GGTGGGAATTGTCGCCTAAGTGGTTCCGGGTTGGTGGATGACCTTGAGCCCTCAGGAACG[A>C]GATGGCGGTTCTCTGGAGGCTGAGTGCCGTTTGCGGTGCCCTAGGAGGCCGAGGTGAGGG-3'